The following is an entry in ClinVar:

NM_024596.5(MCPH1):c.*181C>G

Genes: MCPH1-AS1 (MCPH1 antisense RNA 1; minus strand), MCPH1 (microcephalin 1; plus strand). Cytogenetic location: 8p23.1.
Variant type: single nucleotide variant.
Coding change: c.*181C>G on transcript NM_024596.5 (MANE Select); 181 bases downstream of the stop codon, C replaced by G.
Molecular consequence: 3 prime UTR variant.
Genome position (GRCh38, 1-based): chr8:6,643,230, C>G. VCF-style: chr8-6643230-C-G. GRCh37 (hg19) VCF-style: chr8-6500751-C-G.
Other names: c.*203C>G (NM_001322042.2); c.*181C>G (NM_001363980.2).
Identifiers: ClinVar variation 363567 (VCV000363567.8), dbSNP rs2433149, ClinGen allele CA10625741.

ClinVar aggregate classification (germline): Benign. Review status: criteria provided, multiple submitters, no conflicts (2 of 4 stars). 3 submissions from 3 submitters: Benign (3). Last evaluated 2018-06-26.

Conditions:
Microcephaly 1, primary, autosomal recessive (MCPH1). Also called: PREMATURE CHROMOSOME CONDENSATION SYNDROME; PCC SYNDROME; PREMATURE CHROMOSOME CONDENSATION WITH MICROCEPHALY AND MENTAL RETARDATION. Identifiers: Orphanet 2512, MedGen C1855081, MONDO:0009617, OMIM 251200.

Allele frequency attached by ClinVar (database versions not stated): 1000 Genomes Project 0.28395; 1000 Genomes Project 30x 0.28513; TOPMed 0.29805; gnomAD 0.30338 and 0.30507; gnomAD exomes 0.31512.
gnomAD v4.1: 207,422 of 664,116 alleles (31%); highest among the groups gnomAD compares: South Asian, 39%; 33,258 homozygotes.

Submissions (3):

GeneDx
Classification: Benign. Last evaluated: 2018-06-26. Review status: criteria provided, single submitter. Criteria: GeneDx Variant Classification Process June 2021. Collection method: clinical testing. Allele origin: germline. Affected: yes.

Illumina Laboratory Services, Illumina
Classification: Benign for Microcephaly 1, primary, autosomal recessive. Last evaluated: 2018-01-13. Review status: criteria provided, single submitter. Criteria: ICSL Variant Classification Criteria 13 December 2019. Collection method: clinical testing. Allele origin: germline.
Comment: This variant was observed in the ICSL laboratory as part of a predisposition screen in an ostensibly healthy population. It had not been previously curated by ICSL or reported in the Human Gene Mutation Database (HGMD: prior to June 1st, 2018), and was therefore a candidate for classification through an automated scoring system. Utilizing variant allele frequency, disease prevalence and penetrance estimates, and inheritance mode, an automated score was calculated to assess if this variant is too frequent to cause the disease. Based on the score and internal cut-off values, a variant classified as benign is not then subjected to further curation. The score for this variant resulted in a classification of benign for this disease.

Breakthrough Genomics
Classification: Benign. Review status: criteria provided, single submitter. Criteria: ACMG Guidelines, 2015. Collection method: not provided. Allele origin: germline. Inheritance: Autosomal recessive inheritance. Affected: yes.